The following is an entry in ClinVar:

ClinVar aggregate classification (germline): Uncertain significance. Review status: criteria provided, multiple submitters, no conflicts (2 of 4 stars). 3 submissions from 3 submitters: Uncertain significance (3). Last evaluated 2025-10-27.

Conditions:
Larsen-like syndrome, B3GAT3 type. Also called: MULTIPLE JOINT DISLOCATIONS, SHORT STATURE, AND CRANIOFACIAL DYSMORPHISM WITH OR WITHOUT CONGENITAL HEART DEFECTS; Multiple joint dislocations, short stature, craniofacial dysmorphism, with or without congenital heart defects. Identifiers: Orphanet 284139, MedGen CN034159, MONDO:0009511, OMIM 245600.

Allele frequency attached by ClinVar (database versions not stated): gnomAD exomes 0.00002 and 0.00006; gnomAD 0.00003; TOPMed 0.00005; ESP Exome Variant Server 0.00015.
gnomAD v4.1: 35 of 1,613,956 alleles (0.0022%); highest among the groups gnomAD compares: Admixed American, 0.03%; no homozygotes.

Submissions (3):

GeneDx
Classification: Uncertain significance. Last evaluated: 2025-10-27. Review status: criteria provided, single submitter. Criteria: GeneDx Variant Classification Process June 2021. Collection method: clinical testing. Allele origin: germline.
Comment: In silico analysis supports that this missense variant has a deleterious effect on protein structure/function; Has not been previously published as pathogenic or benign to our knowledge; This variant is associated with the following publications: (PMID: 31988067)

Blueprint Genetics
Classification: Uncertain significance. Last evaluated: 2023-03-21. Review status: criteria provided, single submitter. Criteria: ACMG Guidelines, 2015. Collection method: clinical testing. Allele origin: germline.

Labcorp Genetics (formerly Invitae), Labcorp
Classification: Uncertain significance for Larsen-like syndrome, B3GAT3 type. Last evaluated: 2022-06-19. Review status: criteria provided, single submitter. Criteria: Invitae Variant Classification Sherloc (09022015). Collection method: clinical testing. Allele origin: germline.
Comment: This sequence change replaces arginine, which is basic and polar, with glutamine, which is neutral and polar, at codon 169 of the B3GAT3 protein (p.Arg169Gln). This variant is present in population databases (rs371091579, gnomAD 0.03%). This variant has not been reported in the literature in individuals affected with B3GAT3-related conditions. ClinVar contains an entry for this variant (Variation ID: 1041636). Algorithms developed to predict the effect of missense changes on protein structure and function are either unavailable or do not agree on the potential impact of this missense change (SIFT: "Tolerated"; PolyPhen-2: "Possibly Damaging"; Align-GVGD: "Class C0"). Algorithms developed to predict the effect of sequence changes on RNA splicing suggest that this variant may create or strengthen a splice site. This variant disrupts the p.Arg169 amino acid residue in B3GAT3. Other variant(s) that disrupt this residue have been determined to be pathogenic (PMID: 31988067). This suggests that this residue is clinically significant, and that variants that disrupt this residue are likely to be disease-causing. In summary, the available evidence is currently insufficient to determine the role of this variant in disease. Therefore, it has been classified as a Variant of Uncertain Significance.

Literature cited by the submitters: PubMed 31988067 (cited by Labcorp Genetics (formerly Invitae), Labcorp).

NM_012200.4(B3GAT3):c.506G>A (p.Arg169Gln)

Gene: B3GAT3 (beta-1,3-glucuronyltransferase 3; minus strand). Cytogenetic location: 11q12.3.
Variant type: single nucleotide variant.
Coding change: c.506G>A on transcript NM_012200.4 (MANE Select); coding-DNA position 506, G replaced by A.
Protein change: p.Arg169Gln; replaces arginine 169 with glutamine.
Molecular consequence: missense variant. On other transcripts: non-coding transcript variant (1).
Genome position (GRCh38, 1-based): chr11:62,617,099, C>T on the plus strand (G>A on the coding strand, the complement: B3GAT3 is on the minus strand). VCF-style: chr11-62617099-C-T. GRCh37 (hg19) VCF-style: chr11-62384571-C-T.
Other names: c.485G>A, p.Arg162Gln (NM_001288721.2); c.506G>A, p.Arg169Gln (NM_001288722.2, NM_001288723.2); c.506G>A (NM_012200.3); short protein forms R162Q, R169Q.
Identifiers: ClinVar variation 1041636 (VCV001041636.8), dbSNP rs371091579, ClinGen allele CA6050099.
Genomic context (GRCh38, chr11:62,617,099, plus strand): 5'-ACTCCTTGGGTCCCTGGTGGTGGTGGGTCCTTCTCCCCACCCACAGCACCCCCTCTGCCC[C>T]GGAGCCAGTCCAGGGCCTTGTTCCGCTGCTCGACACCACGGGGATGAACCCAGCCAGGCT-3'
Protein context (NP_036332.2, residues 159-179): EQRNKALDWL[Arg169Gln]GRGGAVGGEK